The following is an entry in ClinVar:

ClinVar aggregate classification (germline): Uncertain significance (1 of 4 stars; one submission).

Conditions:
Congenital muscular dystrophy due to integrin alpha-7 deficiency. Also called: MYOPATHY, CONGENITAL, DUE TO INTEGRIN ALPHA-7 DEFICIENCY; Congenital muscular dystrophy with integrin alpha-7 deficiency; Muscular dystrophy, congenital, due to ITGA7 deficiency. Identifiers: Orphanet 34520, MedGen C2750786, MONDO:0013177, OMIM 613204.

Allele frequency attached by ClinVar (database versions not stated): gnomAD exomes below 0.00001; TOPMed below 0.00001; ExAC 0.00001; gnomAD 0.00001.
gnomAD v4.1: 2 of 1,613,776 alleles (0.00012%); highest among the groups gnomAD compares: Non-Finnish European, 0.00017%; no homozygotes.

Submission:

Labcorp Genetics (formerly Invitae), Labcorp
Classification: Uncertain significance for Congenital muscular dystrophy due to integrin alpha-7 deficiency. Last evaluated: 2020-06-27. Review status: criteria provided, single submitter. Criteria: Invitae Variant Classification Sherloc (09022015). Collection method: clinical testing. Allele origin: germline.
Comment: In summary, the available evidence is currently insufficient to determine the role of this variant in disease. Therefore, it has been classified as a Variant of Uncertain Significance. Algorithms developed to predict the effect of missense changes on protein structure and function are either unavailable or do not agree on the potential impact of this missense change (SIFT: "Deleterious"; PolyPhen-2: "Probably Damaging"; Align-GVGD: "Class C0"). This variant has not been reported in the literature in individuals with ITGA7-related conditions. This variant is present in population databases (rs774959390, ExAC 0.002%). This sequence change replaces phenylalanine with leucine at codon 34 of the ITGA7 protein (p.Phe34Leu). The phenylalanine residue is moderately conserved and there is a small physicochemical difference between phenylalanine and leucine.

NM_002206.3(ITGA7):c.102C>A (p.Phe34Leu)

Gene: ITGA7 (integrin subunit alpha 7; minus strand). Cytogenetic location: 12q13.2.
Variant type: single nucleotide variant.
Coding change: c.102C>A on transcript NM_002206.3 (MANE Select); coding-DNA position 102, C replaced by A.
Protein change: p.Phe34Leu; replaces phenylalanine 34 with leucine.
Molecular consequence: missense variant. On other transcripts: 5 prime UTR variant (1), intron variant (3).
Genome position (GRCh38, 1-based): chr12:55,707,581, G>T on the plus strand (C>A on the coding strand, the complement: ITGA7 is on the minus strand). VCF-style: chr12-55707581-G-T. GRCh37 (hg19) VCF-style: chr12-56101365-G-T.
Other names: c.102C>A, p.Phe34Leu (NM_001144996.2, NM_001374465.1, NM_001410977.1 and 6 more transcripts); c.-1071C>A (NM_001367994.1); c.85+4482C>A (NM_001144997.2); c.-133-4403C>A (NM_001367993.1, NM_001414035.1); short protein forms F34L.
Identifiers: ClinVar variation 1045579 (VCV001045579.9), dbSNP rs774959390, ClinGen allele CA6616457.